The following is an entry in ClinVar:

NM_016180.5(SLC45A2):c.1435C>G (p.Leu479Val)

Gene: SLC45A2 (solute carrier family 45 member 2; minus strand). Cytogenetic location: 5p13.2.
Variant type: single nucleotide variant.
Coding change: c.1435C>G on transcript NM_016180.5 (MANE Select); coding-DNA position 1435, C replaced by G.
Protein change: p.Leu479Val; replaces leucine 479 with valine.
Molecular consequence: missense variant.
Genome position (GRCh38, 1-based): chr5:33,944,806, G>C on the plus strand (C>G on the coding strand, the complement: SLC45A2 is on the minus strand). VCF-style: chr5-33944806-G-C. GRCh37 (hg19) VCF-style: chr5-33944911-G-C.
Other names: short protein forms L479V.
Identifiers: ClinVar variation 1418883 (VCV001418883.5), dbSNP rs774502932, ClinGen allele CA3225454.

ClinVar aggregate classification (germline): Uncertain significance (1 of 4 stars; one submission).

Allele frequency attached by ClinVar (database versions not stated): gnomAD exomes below 0.00001 and 0.00001; ExAC 0.00001.
gnomAD v4.1: 7 of 1,614,102 alleles (0.00043%); highest among the groups gnomAD compares: Admixed American, 0.0017%; no homozygotes.

Submission:

Labcorp Genetics (formerly Invitae), Labcorp
Classification: Uncertain significance. Last evaluated: 2022-11-08. Review status: criteria provided, single submitter. Criteria: Invitae Variant Classification Sherloc (09022015). Collection method: clinical testing. Allele origin: germline.
Comment: This sequence change replaces leucine, which is neutral and non-polar, with valine, which is neutral and non-polar, at codon 479 of the SLC45A2 protein (p.Leu479Val). This variant is present in population databases (rs774502932, gnomAD 0.003%). This variant has not been reported in the literature in individuals affected with SLC45A2-related conditions. ClinVar contains an entry for this variant (Variation ID: 1418883). Advanced modeling of protein sequence and biophysical properties (such as structural, functional, and spatial information, amino acid conservation, physicochemical variation, residue mobility, and thermodynamic stability) performed at Invitae indicates that this missense variant is not expected to disrupt SLC45A2 protein function. In summary, the available evidence is currently insufficient to determine the role of this variant in disease. Therefore, it has been classified as a Variant of Uncertain Significance.